The following is an entry in ClinVar:

NM_001270508.2(TNFAIP3):c.1993C>G (p.Leu665Val)

Gene: TNFAIP3 (TNF alpha induced protein 3; plus strand). Cytogenetic location: 6q23.3.
Variant type: single nucleotide variant.
Coding change: c.1993C>G on transcript NM_001270508.2 (MANE Select); coding-DNA position 1993, C replaced by G.
Protein change: p.Leu665Val; replaces leucine 665 with valine.
Molecular consequence: missense variant.
Genome position (GRCh38, 1-based): chr6:137,880,157, C>G. VCF-style: chr6-137880157-C-G. GRCh37 (hg19) VCF-style: chr6-138201294-C-G.
Other names: c.1993C>G, p.Leu665Val (NM_001270507.2, NM_006290.4); c.1993C>G (NM_006290.2); short protein forms L665V.
Identifiers: ClinVar variation 2975244 (VCV002975244.5), dbSNP rs748886968, ClinGen allele CA4019770.

ClinVar aggregate classification (germline): Uncertain significance. Review status: criteria provided, multiple submitters, no conflicts (2 of 4 stars). 3 submissions from 3 submitters: Uncertain significance (3). Last evaluated 2025-08-01.

Conditions:
Inborn genetic diseases. Identifiers: MedGen C0950123, MeSH D030342.
Autoinflammatory syndrome, familial, Behcet-like 1 (AIFBL1). Also called: Haploinsufficiency of A20. Identifiers: Orphanet 674762, MedGen C4225218, MONDO:0800045, OMIM 616744.

Allele frequency attached by ClinVar (database versions not stated): TOPMed below 0.00001; gnomAD exomes 0.00001; ExAC 0.00002.
gnomAD v4.1: 10 of 1,614,108 alleles (0.00062%); highest among the groups gnomAD compares: African/African-American, 0.0013%; no homozygotes.

Submissions (3):

Ambry Genetics
Classification: Uncertain significance for Inborn genetic diseases. Last evaluated: 2025-08-01. Review status: criteria provided, single submitter. Criteria: Ambry Variant Classification Scheme 2023. Collection method: clinical testing. Allele origin: germline.

Labcorp Genetics (formerly Invitae), Labcorp
Classification: Uncertain significance. Last evaluated: 2024-10-13. Review status: criteria provided, single submitter. Criteria: Invitae Variant Classification Sherloc (09022015). Collection method: clinical testing. Allele origin: germline.
Comment: This sequence change replaces leucine, which is neutral and non-polar, with valine, which is neutral and non-polar, at codon 665 of the TNFAIP3 protein (p.Leu665Val). This variant is present in population databases (rs748886968, gnomAD 0.01%). This variant has not been reported in the literature in individuals affected with TNFAIP3-related conditions. An algorithm developed to predict the effect of missense changes on protein structure and function outputs the following: PolyPhen-2: "Benign". The valine amino acid residue is found in multiple mammalian species, which suggests that this missense change does not adversely affect protein function. In summary, the available evidence is currently insufficient to determine the role of this variant in disease. Therefore, it has been classified as a Variant of Uncertain Significance.

Pittsburgh Clinical Genomics Laboratory, University of Pittsburgh Medical Center
Classification: Uncertain significance for Autoinflammatory syndrome, familial, Behcet-like 1. Last evaluated: 2023-03-20. Review status: criteria provided, single submitter. Criteria: ACMG Guidelines, 2015. Collection method: clinical testing. Allele origin: germline. Inheritance: Autosomal dominant inheritance. Affected: yes.
Comment: This sequence variant is a single nucleotide substitution (C>G) at coding position 1993 of the TNFAIP3 gene that results in a leucine to valine amino acid change at residue 665 of the TNFAIP3 protein. This variant has not been previously reported in databases of clinically relevant variants or observed in the literature in individuals with TNFAIP3-related illness, to our knowledge. This variant is found in the gnomAD population database (5 of 282868 alleles or 0.0017%). Multiple bioinformatic tools predict that this variant would be tolerated; however, the Leu665 residue is well conserved across the mammalian species examined. This variant falls within one of many important zinc finger domains (PMID: 29515565), although confirmatory functiol studies testing the effect of this variant have not been performed, to our knowledge. At this time, there is insufficient evidence to determine if this variant is pathogenic or benign. Therefore, we consider this to be a variant of uncertain significance. ACMG Criteria: BP4, PM2

Literature cited by the submitters: PubMed 29515565 (cited by Pittsburgh Clinical Genomics Laboratory, University of Pittsburgh Medical Center).